The following is an entry in ClinVar:

ClinVar aggregate classification (germline): Conflicting classifications of pathogenicity. Review status: criteria provided, conflicting classifications (1 of 4 stars). 4 submissions from 4 submitters: Uncertain significance (3); Likely benign (1). Last evaluated 2025-06-18.

Conditions:
Cone dystrophy with supernormal rod response (CDSRR). Also called: CONE DYSTROPHY WITH SUPERNORMAL ROD RESPONSES. Identifiers: Orphanet 209932, MedGen C1835897, MONDO:0012475, OMIM 610356.
Inborn genetic diseases. Identifiers: MedGen C0950123, MeSH D030342.

Allele frequency attached by ClinVar (database versions not stated): ExAC 0.00008; gnomAD 0.00016 and 0.00017; 1000 Genomes Project 30x 0.00031; TOPMed 0.00033; 1000 Genomes Project 0.00040.

Submissions (4):

Ambry Genetics
Classification: Uncertain significance for Inborn genetic diseases. Last evaluated: 2025-06-18. Review status: criteria provided, single submitter. Criteria: Ambry Variant Classification Scheme 2023. Collection method: clinical testing. Allele origin: germline.

Labcorp Genetics (formerly Invitae), Labcorp
Classification: Uncertain significance. Last evaluated: 2025-01-15. Review status: criteria provided, single submitter. Criteria: Invitae Variant Classification Sherloc (09022015). Collection method: clinical testing. Allele origin: germline.
Comment: This sequence change replaces leucine, which is neutral and non-polar, with proline, which is neutral and non-polar, at codon 348 of the KCNV2 protein (p.Leu348Pro). This variant is present in population databases (rs201425989, gnomAD 0.09%). This variant has not been reported in the literature in individuals affected with KCNV2-related conditions. ClinVar contains an entry for this variant (Variation ID: 842340). Invitae Evidence Modeling of protein sequence and biophysical properties (such as structural, functional, and spatial information, amino acid conservation, physicochemical variation, residue mobility, and thermodynamic stability) indicates that this missense variant is expected to disrupt KCNV2 protein function with a positive predictive value of 95%. In summary, the available evidence is currently insufficient to determine the role of this variant in disease. Therefore, it has been classified as a Variant of Uncertain Significance.

Blueprint Genetics
Classification: Likely benign. Last evaluated: 2023-06-12. Review status: criteria provided, single submitter. Criteria: ACMG Guidelines, 2015. Collection method: clinical testing. Allele origin: germline.

Fulgent Genetics
Classification: Uncertain significance for Cone dystrophy with supernormal rod response. Last evaluated: 2021-10-14. Review status: criteria provided, single submitter. Criteria: ACMG Guidelines, 2015. Collection method: clinical testing. Allele origin: unknown.

NM_133497.4(KCNV2):c.1043T>C (p.Leu348Pro)

Gene: KCNV2 (potassium voltage-gated channel modifier subfamily V member 2; plus strand). Cytogenetic location: 9p24.2.
Variant type: single nucleotide variant.
Coding change: c.1043T>C on transcript NM_133497.4 (MANE Select); coding-DNA position 1043, T replaced by C.
Protein change: p.Leu348Pro; replaces leucine 348 with proline.
Molecular consequence: missense variant.
Genome position (GRCh38, 1-based): chr9:2,718,782, T>C. VCF-style: chr9-2718782-T-C. GRCh37 (hg19) VCF-style: chr9-2718782-T-C.
Other names: short protein forms L348P.
Identifiers: ClinVar variation 842340 (VCV000842340.10), dbSNP rs201425989, ClinGen allele CA4965741.